The following is an entry in ClinVar:

ClinVar aggregate classification (germline): Uncertain significance. Review status: criteria provided, multiple submitters, no conflicts (2 of 4 stars). 3 submissions from 3 submitters: Uncertain significance (3). Last evaluated 2026-08-31.

Conditions:
Primary ciliary dyskinesia. Also called: Ciliary dyskinesia. Identifiers: Orphanet 244, MedGen C0008780, MONDO:0016575, HP:0012265.
Primary ciliary dyskinesia 13. Also called: CILIARY DYSKINESIA, PRIMARY, 13, WITH OR WITHOUT SITUS INVERSUS. Identifiers: Orphanet 244, MedGen C2750790, MONDO:0013174, OMIM 613193.

Allele frequency attached by ClinVar (database versions not stated): gnomAD exomes 0.00002 and 0.00003; gnomAD 0.00003; TOPMed 0.00002; ExAC 0.00001.
gnomAD v4.1: 49 of 1,613,656 alleles (0.003%); highest among the groups gnomAD compares: Non-Finnish European, 0.0041%; no homozygotes.

Submissions (3):

Ambry Genetics
Classification: Uncertain significance for Primary ciliary dyskinesia. Last evaluated: 2026-08-31. Review status: criteria provided, single submitter. Criteria: Ambry Variant Classification Scheme 2023. Collection method: clinical testing. Allele origin: germline.
Comment: The p.C665Y variant (also known as c.1994G>A), located in coding exon 11 of the DNAAF1 gene, results from a G to A substitution at nucleotide position 1994. The cysteine at codon 665 is replaced by tyrosine, an amino acid with highly dissimilar properties. This amino acid position is conserved. In addition, this alteration is predicted to be tolerated by in silico analysis. Based on the available evidence, the clinical significance of this variant remains unclear.

Labcorp Genetics (formerly Invitae), Labcorp
Classification: Uncertain significance for Primary ciliary dyskinesia. Last evaluated: 2019-03-21. Review status: criteria provided, single submitter. Criteria: Invitae Variant Classification Sherloc (09022015). Collection method: clinical testing. Allele origin: germline.
Comment: This sequence change replaces cysteine with tyrosine at codon 665 of the DNAAF1 protein (p.Cys665Tyr). The cysteine residue is moderately conserved and there is a large physicochemical difference between cysteine and tyrosine. This variant is present in population databases (rs769986363, ExAC 0.002%). This variant has not been reported in the literature in individuals with DNAAF1-related conditions. Algorithms developed to predict the effect of missense changes on protein structure and function output the following: SIFT: "Deleterious"; PolyPhen-2: "Possibly Damaging"; Align-GVGD: "Class C0". The tyrosine amino acid residue is found in multiple mammalian species, suggesting that this missense change does not adversely affect protein function. These predictions have not been confirmed by published functional studies and their clinical significance is uncertain. In summary, the available evidence is currently insufficient to determine the role of this variant in disease. Therefore, it has been classified as a Variant of Uncertain Significance.

Illumina Laboratory Services, Illumina
Classification: Uncertain significance for Primary ciliary dyskinesia 13. Last evaluated: 2018-01-12. Review status: criteria provided, single submitter. Criteria: ICSL Variant Classification Criteria 13 December 2019. Collection method: clinical testing. Allele origin: germline.

NM_178452.6(DNAAF1):c.1994G>A (p.Cys665Tyr)

Gene: DNAAF1 (dynein axonemal assembly factor 1; plus strand). Cytogenetic location: 16q24.1.
Variant type: single nucleotide variant.
Coding change: c.1994G>A on transcript NM_178452.6 (MANE Select); coding-DNA position 1994, G replaced by A.
Protein change: p.Cys665Tyr; replaces cysteine 665 with tyrosine.
Molecular consequence: missense variant.
Genome position (GRCh38, 1-based): chr16:84,176,228, G>A. VCF-style: chr16-84176228-G-A. GRCh37 (hg19) VCF-style: chr16-84209834-G-A.
Other names: c.1286G>A, p.Cys429Tyr (NM_001318756.1); short protein forms C665Y, C429Y.
Identifiers: ClinVar variation 838501 (VCV000838501.15), dbSNP rs769986363, ClinGen allele CA8203077.